The following is an entry in ClinVar:

NM_012203.2(GRHPR):c.109_118delinsCAC (p.Asp37fs)

Gene: GRHPR (glyoxylate and hydroxypyruvate reductase; plus strand). Cytogenetic location: 9p13.2.
Variant type: Indel.
Coding change: c.109_118delinsCAC on transcript NM_012203.2 (MANE Select); coding-DNA positions 109 to 118, GATGAGCCCA replaced by CAC.
Protein change: p.Asp37fs; shifts the reading frame from aspartic acid 37.
Molecular consequence: frameshift variant.
Genome position (GRCh38, 1-based): chr9:37,424,870-37,424,879, GATGAGCCCA replaced by CAC. VCF-style: chr9-37424870-GATGAGCCCA-CAC. GRCh37 (hg19) VCF-style: chr9-37424867-GATGAGCCCA-CAC.
Other names: short protein forms D37fs.
Identifiers: ClinVar variation 2664098 (VCV002664098.1), dbSNP rs2489231928, ClinGen allele CA2695201568.

ClinVar aggregate classification (germline): Pathogenic (1 of 4 stars; one submission).

Conditions:
Primary hyperoxaluria, type II (HP2). Also called: OXALOSIS II; Primary hyperoxaluria type 2; D-GLYCERATE DEHYDROGENASE DEFICIENCY; GLYCERIC ACIDURIA; GLYOXYLATE REDUCTASE/HYDROXYPYRUVATE REDUCTASE DEFICIENCY. Identifiers: Orphanet 416, Orphanet 93599, MedGen C0268165, MONDO:0009824, OMIM 260000. Disease mechanism: loss of function.

Submission:

Rare Kidney Stone Consortium and the Mayo Clinic Hyperoxaluria Center, Mayo Clinic
Classification: Pathogenic for Primary hyperoxaluria, type II. Last evaluated: 2023-10-27. Review status: criteria provided, single submitter. Criteria: ACMG Guidelines, 2015. Collection method: clinical testing. Allele origin: germline. Affected: yes.
Comment: ACMG:PSV1 PM2 PP4

Literature cited by the submitters: PubMed 34805638.